The following is an entry in ClinVar:

ClinVar aggregate classification (germline): Uncertain significance (1 of 4 stars; one submission).

Submission:

Labcorp Genetics (formerly Invitae), Labcorp
Classification: Uncertain significance. Last evaluated: 2023-02-04. Review status: criteria provided, single submitter. Criteria: Invitae Variant Classification Sherloc (09022015). Collection method: clinical testing. Allele origin: germline.
Comment: In summary, the available evidence is currently insufficient to determine the role of this variant in disease. Therefore, it has been classified as a Variant of Uncertain Significance. This variant is a gross deletion of the genomic region encompassing exon(s) 6 of the COL11A1 gene. This variant would be expected to be in-frame, preserving the integrity of the reading frame. This variant has not been reported in the literature in individuals affected with COL11A1-related conditions. Experimental studies and prediction algorithms are not available or were not evaluated, and the functional significance of this variant is currently unknown.

NC_000001.10:g.(?_103491752)_(103491908_?)del

Gene: COL11A1 (collagen type XI alpha 1 chain; minus strand). Cytogenetic location: 1p21.1.
Variant type: Deletion.
Identifiers: ClinVar variation 2424274 (VCV002424274.4).